The following is an entry in ClinVar:

ClinVar aggregate classification (germline): Likely pathogenic (0 of 4 stars; one submission).

Conditions:
Hereditary factor VIII deficiency disease (HEMA). Also called: HEMOPHILIA, CLASSIC; AUTOSOMAL HEMOPHILIA A; Hemophilia A; Hemophilia A, congenital; HEM A; Factor 8 deficiency, congenital. Identifiers: Orphanet 98878, MedGen C0019069, MONDO:0010602, OMIM 306700.

Allele frequency attached by ClinVar (database versions not stated): TOPMed 0.00001.

Submission:

ISTH-SSC Genomics in Thrombosis and Hemostasis, KU Leuven, Center for Molecular and Vascular Biology
Classification: Likely pathogenic for Hereditary factor VIII deficiency disease. Review status: no assertion criteria provided. Collection method: research. Allele origin: unknown. Affected: yes.
Comment: Submitted to GoldVariant by Dr Karyn Mégy from NIHR Bioresource - Cambridge University, UK

NM_000132.4(F8):c.308T>C (p.Val103Ala)

Gene: F8 (coagulation factor VIII; minus strand). Cytogenetic location: Xq28.
Variant type: single nucleotide variant.
Coding change: c.308T>C on transcript NM_000132.4 (MANE Select); coding-DNA position 308, T replaced by C.
Protein change: p.Val103Ala; replaces valine 103 with alanine.
Molecular consequence: missense variant.
Genome position (GRCh38, 1-based): chrX:154,997,053, A>G on the plus strand (T>C on the coding strand, the complement: F8 is on the minus strand). VCF-style: chrX-154997053-A-G. GRCh37 (hg19) VCF-style: chrX-154225328-A-G.
Other names: short protein forms V103A.
Identifiers: ClinVar variation 1684384 (VCV001684384.1), dbSNP rs2073621465, ClinGen allele CA414920039.
Genomic context (GRCh38, chrX:154,997,053, plus strand): 5'-GATACACCAACAGCATGAAGACTGACAGGATGGGAAGCCATGTTCTTAAGTGTAATGACC[A>G]CTGTATCATAAACCTCAGCCTGGATGGTAGGACCTAGCAGACCTGTAAGAATGAGATGTC-3'
Protein context (NP_000123.1, residues 93-113): PTIQAEVYDT[Val103Ala]VITLKNMASH